The following is an entry in ClinVar:

ClinVar aggregate classification (germline): Uncertain significance (1 of 4 stars; one submission).

Conditions:
Arrhinia with choanal atresia and microphthalmia syndrome. Also called: ARHINIA, CHOANAL ATRESIA, MICROPHTHALMIA, AND HYPOGONADOTROPIC HYPOGONADISM; Arhinia, choanal atresia, and microphthalmia; Arrhinia-choanal atresia-microphthalmia syndrome. Identifiers: Orphanet 1135, Orphanet 2250, MedGen C1863878, MONDO:0011323, OMIM 603457.

Submission:

3billion
Classification: Uncertain significance for Arrhinia with choanal atresia and microphthalmia syndrome. Last evaluated: 2025-10-22. Review status: criteria provided, single submitter. Criteria: ACMG Guidelines, 2015. Collection method: clinical testing. Allele origin: germline. Affected: yes.
Comment: The variant is not observed in the gnomAD v4.1.0 dataset. Predicted Consequence/Location: Synonymous variant In silico tools predict the variant to alter splicing and produce an abnormal transcript [SpliceAI: 0.75 (>=0.2, moderate evidence for spliceogenicity)]. Therefore, this variant is classified as VUS according to the recommendation of ACMG/AMP guideline.

NM_015295.3(SMCHD1):c.1731A>T (p.Thr577=)

Gene: SMCHD1 (structural maintenance of chromosomes flexible hinge domain containing 1; plus strand). Cytogenetic location: 18p11.32.
Variant type: single nucleotide variant.
Coding change: c.1731A>T on transcript NM_015295.3 (MANE Select); coding-DNA position 1731, A replaced by T.
Protein change: p.Thr577=; no amino-acid change (threonine 577 retained).
Molecular consequence: synonymous variant.
Genome position (GRCh38, 1-based): chr18:2,703,775, A>T. VCF-style: chr18-2703775-A-T. GRCh37 (hg19) VCF-style: chr18-2703773-A-T.
Identifiers: ClinVar variation 4854448 (VCV004854448.1).